The following is an entry in ClinVar:

NM_000536.4(RAG2):c.1492A>T (p.Lys498Ter)

Gene: RAG2 (recombination activating 2; minus strand). Cytogenetic location: 11p12.
Variant type: single nucleotide variant.
Coding change: c.1492A>T on transcript NM_000536.4 (MANE Select); coding-DNA position 1492, A replaced by T.
Protein change: p.Lys498Ter; replaces lysine 498 with a stop codon.
Molecular consequence: nonsense.
Genome position (GRCh38, 1-based): chr11:36,592,677, T>A on the plus strand (A>T on the coding strand, the complement: RAG2 is on the minus strand). VCF-style: chr11-36592677-T-A. GRCh37 (hg19) VCF-style: chr11-36614227-T-A.
Other names: c.1492A>T, p.Lys498Ter (NM_001243785.2, NM_001243786.2); short protein forms K498*.
Identifiers: ClinVar variation 955968 (VCV000955968.10), dbSNP rs373151027, ClinGen allele CA5950406.
Genomic context (GRCh38, chr11:36,592,677, plus strand): 5'-TGGCAGGAGTCAAGATTTTTCCAGAACCTTTTTTACGGAGGGATTTCATTGGAGGCTTTT[T>A]TAAGGGTAGGACTCTTTGGGGAGTGTGTAGAGCTCTTGCTATCTCCACATGCTCATTGCA-3'

ClinVar aggregate classification (germline): Conflicting classifications of pathogenicity. Review status: criteria provided, conflicting classifications (1 of 4 stars). 6 submissions from 6 submitters: Likely pathogenic (1); Uncertain significance (3). 2 of the submissions do not count toward it. Last evaluated 2025-11-14.

Conditions:
Combined immunodeficiency with skin granulomas. Identifiers: Orphanet 157949, MedGen C2673536, MONDO:0009306, OMIM 233650.
Severe combined immunodeficiency, autosomal recessive, T cell-negative, B cell-negative, NK cell-positive. Also called: SCID, AR, T-cell negative, B-cell negative, NK cell-positive; SCID, T CELL-NEGATIVE, B CELL-NEGATIVE, NK CELL-POSITIVE; Severe combined immunodeficiency due to complete RAG1/2 deficiency. Identifiers: Orphanet 331206, MedGen C1832322, MONDO:0011086, OMIM 601457.
Histiocytic medullary reticulosis. Also called: SEVERE COMBINED IMMUNODEFICIENCY WITH HYPEREOSINOPHILIA; Omenn syndrome. Identifiers: Orphanet 39041, MedGen C2700553, MONDO:0011338, OMIM 603554.
RAG2-related disorder. Also called: RAG2-related condition.

Allele frequency attached by ClinVar (database versions not stated): TOPMed 0.00003; gnomAD 0.00002; ESP Exome Variant Server 0.00008.

Submissions (6):

Dasa
Classification: Uncertain significance. Last evaluated: 2025-11-14. Review status: criteria provided, single submitter. Criteria: DASA Assertion Criteria. Collection method: clinical testing. Allele origin: germline.
Comment: NM_000536.4(RAG2):c.1492A>T (p.Lys498*) is a nonsense variant in RAG2 predicted to introduce a premature termination codon and is predicted to result in an absent or altered protein product. This variant is rare in population databases. The currently available literature and clinical evidence are not sufficient to establish a definitive association between this variant and the reported condition. Therefore, this variant is classified as a variant of uncertain significance.

Fulgent Genetics
Classification: Likely pathogenic for Combined immunodeficiency with skin granulomas; Severe combined immunodeficiency, autosomal recessive, T cell-negative, B cell-negative, NK cell-positive; Histiocytic medullary reticulosis. Last evaluated: 2024-05-29. Review status: criteria provided, single submitter. Criteria: ACMG Guidelines, 2015. Collection method: clinical testing. Allele origin: germline.

Labcorp Genetics (formerly Invitae), Labcorp
Classification: Uncertain significance for Combined immunodeficiency with skin granulomas; Severe combined immunodeficiency, autosomal recessive, T cell-negative, B cell-negative, NK cell-positive. Last evaluated: 2022-09-13. Review status: criteria provided, single submitter. Criteria: Invitae Variant Classification Sherloc (09022015). Collection method: clinical testing. Allele origin: germline.
Comment: This sequence change creates a premature translational stop signal (p.Lys498*) in the RAG2 gene. While this is not anticipated to result in nonsense mediated decay, it is expected to disrupt the last 30 amino acid(s) of the RAG2 protein. This variant is present in population databases (rs373151027, gnomAD 0.01%). This variant has not been reported in the literature in individuals affected with RAG2-related conditions. ClinVar contains an entry for this variant (Variation ID: 955968). Experimental studies and prediction algorithms are not available or were not evaluated, and the functional significance of this variant is currently unknown. In summary, the available evidence is currently insufficient to determine the role of this variant in disease. Therefore, it has been classified as a Variant of Uncertain Significance.

Department of Pathology and Laboratory Medicine, Sinai Health System
Classification: Uncertain significance for Combined immunodeficiency with skin granulomas; Severe combined immunodeficiency, autosomal recessive, T cell-negative, B cell-negative, NK cell-positive; Histiocytic medullary reticulosis. Last evaluated: 2020-05-06. Review status: criteria provided, single submitter. Criteria: ACMG Guidelines, 2015. Collection method: research. Allele origin: germline.

PreventionGenetics, part of Exact Sciences
Classification: Likely pathogenic for RAG2-related condition. Last evaluated: 2023-11-28. Review status: no assertion criteria provided. Collection method: clinical testing. Allele origin: germline. Not counted in ClinVar's aggregate classification.
Comment: The RAG2 c.1492A>T variant is predicted to result in premature protein termination (p.Lys498*). This variant has been reported in the heterozygous state in one individual in a carrier study (Table S9, Reported as genomic position 36570803, Bell et al. 2011. PubMed ID: 21228398). This variant is reported in 0.012% of alleles in individuals of Latino descent in gnomAD. Nonsense variants in RAG2 are expected to be pathogenic. This variant is interpreted as likely pathogenic.

Natera, Inc.
Classification: Uncertain significance for Omenn syndrome. Last evaluated: 2020-06-02. Review status: no assertion criteria provided. Collection method: clinical testing. Allele origin: germline. Not counted in ClinVar's aggregate classification.